The following is an entry in ClinVar:

ClinVar aggregate classification (germline): Uncertain significance (1 of 4 stars; one submission).

Conditions:
Lethal multiple pterygium syndrome (LMPS). Identifiers: Orphanet 33108, MedGen C1854678, MONDO:0009668, OMIM 253290.

Submission:

Labcorp Genetics (formerly Invitae), Labcorp
Classification: Uncertain significance for Lethal multiple pterygium syndrome. Last evaluated: 2019-04-09. Review status: criteria provided, single submitter. Criteria: Invitae Variant Classification Sherloc (09022015). Collection method: clinical testing. Allele origin: germline.
Comment: This sequence change replaces serine with cysteine at codon 347 of the CHRNA1 protein (p.Ser347Cys). The serine residue is highly conserved and there is a moderate physicochemical difference between serine and cysteine. This variant is not present in population databases (ExAC no frequency). This variant has not been reported in the literature in individuals with CHRNA1-related conditions. Algorithms developed to predict the effect of missense changes on protein structure and function are either unavailable or do not agree on the potential impact of this missense change (SIFT: "Deleterious"; PolyPhen-2: "Probably Damaging"; Align-GVGD: "Class C15"). In summary, the available evidence is currently insufficient to determine the role of this variant in disease. Therefore, it has been classified as a Variant of Uncertain Significance.

NM_000079.4(CHRNA1):c.1040C>G (p.Ser347Cys)

Gene: CHRNA1 (cholinergic receptor nicotinic alpha 1 subunit; minus strand). Cytogenetic location: 2q31.1.
Variant type: single nucleotide variant.
Coding change: c.1040C>G on transcript NM_000079.4 (MANE Select); coding-DNA position 1040, C replaced by G.
Protein change: p.Ser347Cys; replaces serine 347 with cysteine.
Molecular consequence: missense variant.
Genome position (GRCh38, 1-based): chr2:174,748,782, G>C on the plus strand (C>G on the coding strand, the complement: CHRNA1 is on the minus strand). VCF-style: chr2-174748782-G-C. GRCh37 (hg19) VCF-style: chr2-175613510-G-C.
Other names: c.1115C>G, p.Ser372Cys (NM_001039523.3); short protein forms S347C, S372C.
Identifiers: ClinVar variation 842267 (VCV000842267.9), dbSNP rs1683788656, ClinGen allele CA349335222.